The following is an entry in ClinVar:

ClinVar aggregate classification (germline): Uncertain significance (1 of 4 stars; one submission).

Conditions:
Aortic valve disease 2 (AOVD2). Identifiers: MedGen C3542024, MONDO:0013902, OMIM 614823.

Submission:

Labcorp Genetics (formerly Invitae), Labcorp
Classification: Uncertain significance for Aortic valve disease 2. Last evaluated: 2019-02-11. Review status: criteria provided, single submitter. Criteria: Invitae Variant Classification Sherloc (09022015). Collection method: clinical testing. Allele origin: germline.
Comment: Algorithms developed to predict the effect of missense changes on protein structure and function are either unavailable or do not agree on the potential impact of this missense change (SIFT: "Deleterious"; PolyPhen-2: "Probably Damaging"; Align-GVGD: "Class C0"). This variant has not been reported in the literature in individuals with TBX5-related conditions. This variant is not present in population databases (ExAC no frequency). This sequence change replaces alanine with valine at codon 233 of the TBX5 protein (p.Ala233Val). The alanine residue is highly conserved and there is a small physicochemical difference between alanine and valine. In summary, the available evidence is currently insufficient to determine the role of this variant in disease. Therefore, it has been classified as a Variant of Uncertain Significance.

NM_181486.4(TBX5):c.698C>T (p.Ala233Val)

Gene: TBX5 (T-box transcription factor 5; minus strand). Cytogenetic location: 12q24.21.
Variant type: single nucleotide variant.
Coding change: c.698C>T on transcript NM_181486.4 (MANE Select); coding-DNA position 698, C replaced by T.
Protein change: p.Ala233Val; replaces alanine 233 with valine.
Molecular consequence: missense variant.
Genome position (GRCh38, 1-based): chr12:114,385,533, G>A on the plus strand (C>T on the coding strand, the complement: TBX5 is on the minus strand). VCF-style: chr12-114385533-G-A. GRCh37 (hg19) VCF-style: chr12-114823338-G-A.
Other names: c.698C>T, p.Ala233Val (NM_000192.3); c.548C>T, p.Ala183Val (NM_080717.4); short protein forms A233V, A183V.
Identifiers: ClinVar variation 839561 (VCV000839561.9), dbSNP rs1870766147, ClinGen allele CA386859722.